The following is an entry in ClinVar:

ClinVar aggregate classification (germline): Conflicting classifications of pathogenicity. Review status: criteria provided, conflicting classifications (1 of 4 stars). 4 submissions from 4 submitters: Uncertain significance (1); Likely benign (3). Last evaluated 2026-02-01.

Conditions:
Inborn genetic diseases. Identifiers: MedGen C0950123, MeSH D030342.
Autoimmune interstitial lung disease-arthritis syndrome. Also called: Autoinflammation and autoimmunity, systemic, with immune dysregulation. Identifiers: Orphanet 444092, MedGen C5975714, MONDO:0014629.

Allele frequency attached by ClinVar (database versions not stated): gnomAD exomes 0.00012; 1000 Genomes Project 30x 0.00016; ExAC 0.00019; 1000 Genomes Project 0.00020; gnomAD 0.00030 and 0.00033; TOPMed 0.00038; ESP Exome Variant Server 0.00054.
gnomAD v4.1: 93 of 1,592,658 alleles (0.0058%); highest among the groups gnomAD compares: African/African-American, 0.11%; no homozygotes.

Submissions (5):

Labcorp Genetics (formerly Invitae), Labcorp
Classification: Likely benign for Autoimmune interstitial lung disease-arthritis syndrome. Last evaluated: 2026-02-01. Review status: criteria provided, single submitter. Criteria: Invitae Variant Classification Sherloc (09022015). Collection method: clinical testing. Allele origin: germline.

Ambry Genetics
Classification: Uncertain significance for Inborn genetic diseases. Last evaluated: 2025-07-02. Review status: criteria provided, single submitter. Criteria: Ambry Variant Classification Scheme 2023. Collection method: clinical testing. Allele origin: germline.

CeGaT Center for Human Genetics Tuebingen
Classification: Likely benign. Last evaluated: 2025-06-01. Review status: criteria provided, single submitter. Criteria: CeGaT Center For Human Genetics Tuebingen Variant Classification Criteria Version 2. Collection method: clinical testing. Allele origin: germline. Affected: yes. Observed: 1 variant allele.
Comment: COPA: BP4

Blueprint Genetics
Classification: Likely benign. Last evaluated: 2023-03-01. Review status: criteria provided, single submitter. Criteria: ACMG Guidelines, 2015. Collection method: clinical testing. Allele origin: germline.

Dr. Peter K. Rogan Lab, Western University
No classification provided (evidence only). Condition: Familial cancer of breast. Review status: no classification provided. Collection method: in vitro. Allele origin: not applicable. Functional consequence: retained intron. Not counted in ClinVar's aggregate classification.

NM_004371.4(COPA):c.2683T>G (p.Ser895Ala)

Gene: COPA (coat protein complex I subunit alpha; minus strand). Cytogenetic location: 1q23.2.
Variant type: single nucleotide variant.
Coding change: c.2683T>G on transcript NM_004371.4 (MANE Select); coding-DNA position 2683, T replaced by G.
Protein change: p.Ser895Ala; replaces serine 895 with alanine.
Molecular consequence: missense variant.
Genome position (GRCh38, 1-based): chr1:160,293,457, A>C on the plus strand (T>G on the coding strand, the complement: COPA is on the minus strand). VCF-style: chr1-160293457-A-C. GRCh37 (hg19) VCF-style: chr1-160263247-A-C.
Other names: c.2683T>G, p.Ser895Ala (LRG_1336t1); c.2710T>G, p.Ser904Ala (NM_001098398.2); c.2710T>G (NM_001098398.1); short protein forms S904A, S895A.
Identifiers: ClinVar variation 542649 (VCV000542649.23), dbSNP rs139398871, ClinGen allele CA1197812.